The following is an entry in ClinVar:

ClinVar aggregate classification (germline): Likely benign (1 of 4 stars; one submission).

Allele frequency attached by ClinVar (database versions not stated): ExAC 0.00006; gnomAD 0.00006; 1000 Genomes Project 30x 0.00094; 1000 Genomes Project 0.00100.

Submission:

CeGaT Center for Human Genetics Tuebingen
Classification: Likely benign. Last evaluated: 2023-08-01. Review status: criteria provided, single submitter. Criteria: CeGaT Center For Human Genetics Tuebingen Variant Classification Criteria Version 2. Collection method: clinical testing. Allele origin: germline. Affected: yes. Observed: 1 variant allele.
Comment: AHNAK2: BP4

NM_138420.4(AHNAK2):c.3600C>T (p.Pro1200=)

Gene: AHNAK2 (AHNAK nucleoprotein 2; minus strand). Cytogenetic location: 14q32.33.
Variant type: single nucleotide variant.
Coding change: c.3600C>T on transcript NM_138420.4 (MANE Select); coding-DNA position 3600, C replaced by T.
Protein change: p.Pro1200=; no amino-acid change (proline 1200 retained).
Molecular consequence: synonymous variant.
Genome position (GRCh38, 1-based): chr14:104,951,851, G>A on the plus strand (C>T on the coding strand, the complement: AHNAK2 is on the minus strand). VCF-style: chr14-104951851-G-A. GRCh37 (hg19) VCF-style: chr14-105418188-G-A.
Other names: c.3300C>T, p.Pro1100= (NM_001350929.2).
Identifiers: ClinVar variation 2644843 (VCV002644843.24), dbSNP rs562921576, ClinGen allele CA7382897.